The following is an entry in ClinVar:

NM_177438.3(DICER1):c.3358A>C (p.Asn1120His)

Gene: DICER1 (dicer 1, ribonuclease III; minus strand). Cytogenetic location: 14q32.13.
Variant type: single nucleotide variant.
Coding change: c.3358A>C on transcript NM_177438.3 (MANE Select); coding-DNA position 3358, A replaced by C.
Protein change: p.Asn1120His; replaces asparagine 1120 with histidine.
Molecular consequence: missense variant. On other transcripts: non-coding transcript variant (6).
Genome position (GRCh38, 1-based): chr14:95,104,038, T>G on the plus strand (A>C on the coding strand, the complement: DICER1 is on the minus strand). VCF-style: chr14-95104038-T-G. GRCh37 (hg19) VCF-style: chr14-95570375-T-G.
Other names: c.3358A>C, p.Asn1120His (NM_001195573.1, NM_001271282.3, NM_001291628.2 and 13 more transcripts); c.3076A>C, p.Asn1026His (NM_001395686.1); c.2953A>C, p.Asn985His (NM_001395687.1, NM_001395688.1, NM_001395689.1 and 2 more transcripts); c.2791A>C, p.Asn931His (NM_001395691.1); c.1675A>C, p.Asn559His (NM_001395697.1); short protein forms N1026H, N1120H, N559H, N931H, N985H.
Identifiers: ClinVar variation 3229372 (VCV003229372.1), dbSNP rs2542719078, ClinGen allele CA390875768.

ClinVar aggregate classification (germline): Uncertain significance (1 of 4 stars; one submission).

Conditions:
Hereditary cancer-predisposing syndrome. Also called: Neoplastic Syndromes, Hereditary; Tumor predisposition; Hereditary neoplastic syndrome; Hereditary Cancer Syndrome. Identifiers: Orphanet 140162, MedGen C0027672, MeSH D009386, MONDO:0015356.

Submission:

Ambry Genetics
Classification: Uncertain significance for Hereditary cancer-predisposing syndrome. Last evaluated: 2023-10-13. Review status: criteria provided, single submitter. Criteria: Ambry Variant Classification Scheme 2023. Collection method: clinical testing. Allele origin: germline.
Comment: The p.N1120H variant (also known as c.3358A>C), located in coding exon 20 of the DICER1 gene, results from an A to C substitution at nucleotide position 3358. The asparagine at codon 1120 is replaced by histidine, an amino acid with similar properties. This amino acid position is conserved. In addition, this alteration is predicted to be tolerated by in silico analysis. Since supporting evidence is limited at this time, the clinical significance of this alteration remains unclear.